The following is an entry in ClinVar:

ClinVar aggregate classification (germline): Uncertain significance (1 of 4 stars; one submission).

Conditions:
Inborn genetic diseases. Identifiers: MedGen C0950123, MeSH D030342.

gnomAD v4.1: 4 of 1,614,062 alleles (0.00025%); highest among the groups gnomAD compares: South Asian, 0.0022%; no homozygotes.

Submission:

Ambry Genetics
Classification: Uncertain significance for Inborn genetic diseases. Last evaluated: 2024-09-13. Review status: criteria provided, single submitter. Criteria: Ambry Variant Classification Scheme 2023. Collection method: clinical testing. Allele origin: germline.
Comment: The p.L567F variant (also known as c.1699C>T), located in coding exon 18 of the ERCC2 gene, results from a C to T substitution at nucleotide position 1699. The leucine at codon 567 is replaced by phenylalanine, an amino acid with highly similar properties. This amino acid position is conserved. In addition, this alteration is predicted to be deleterious by in silico analysis. Since supporting evidence is limited at this time, the clinical significance of this alteration remains unclear.

NM_000400.4(ERCC2):c.1699C>T (p.Leu567Phe)

Gene: ERCC2 (ERCC excision repair 2, TFIIH core complex helicase subunit; minus strand). Cytogenetic location: 19q13.32.
Variant type: single nucleotide variant.
Coding change: c.1699C>T on transcript NM_000400.4 (MANE Select); coding-DNA position 1699, C replaced by T.
Protein change: p.Leu567Phe; replaces leucine 567 with phenylalanine.
Molecular consequence: missense variant.
Genome position (GRCh38, 1-based): chr19:45,353,301, G>A on the plus strand (C>T on the coding strand, the complement: ERCC2 is on the minus strand). VCF-style: chr19-45353301-G-A. GRCh37 (hg19) VCF-style: chr19-45856559-G-A.
Other names: short protein forms L567F.
Identifiers: ClinVar variation 1778290 (VCV001778290.3), dbSNP rs1971891430, ClinGen allele CA406364473.
Genomic context (GRCh38, chr19:45,353,301, plus strand): 5'-CCTCCTGGTACTTCTCCAGGGCGACACTGGTTTCGGCACCATCCTGGGTCTCAATAAAGA[G>A]CAGCTTGTTCCTCTGGATGTTCTCAAGGATCCCCTGGGGAAGGACCCAGGGAGGTCAGGG-3'
Protein context (NP_000391.1, residues 557-577): ILENIQRNKL[Leu567Phe]FIETQDGAET